The following is an entry in ClinVar:

NM_080680.3(COL11A2):c.4026C>T (p.Gly1342=)

Gene: COL11A2 (collagen type XI alpha 2 chain; minus strand). Cytogenetic location: 6p21.32.
Variant type: single nucleotide variant.
Coding change: c.4026C>T on transcript NM_080680.3 (MANE Select); coding-DNA position 4026, C replaced by T.
Protein change: p.Gly1342=; no amino-acid change (glycine 1342 retained).
Molecular consequence: synonymous variant.
Genome position (GRCh38, 1-based): chr6:33,167,522, G>A on the plus strand (C>T on the coding strand, the complement: COL11A2 is on the minus strand). VCF-style: chr6-33167522-G-A. GRCh37 (hg19) VCF-style: chr6-33135299-G-A.
Other names: c.3705C>T, p.Gly1235= (NM_080679.3); c.3768C>T, p.Gly1256= (NM_080681.3).
Identifiers: ClinVar variation 517523 (VCV000517523.19), dbSNP rs778423110, ClinGen allele CA3750247.

ClinVar aggregate classification (germline): Likely benign. Review status: criteria provided, multiple submitters, no conflicts (2 of 4 stars). 5 submissions from 5 submitters: Likely benign (4). 1 of the submissions does not count toward it. Last evaluated 2025-12-30.

Conditions:
COL11A2-related disorder. Also called: COL11A2-related condition; COL11A2-related disorders.

Allele frequency attached by ClinVar (database versions not stated): gnomAD exomes 0.00002 and 0.00004; gnomAD 0.00003 and 0.00004; ExAC 0.00005; TOPMed 0.00005.
gnomAD v4.1: 39 of 1,612,672 alleles (0.0024%); highest among the groups gnomAD compares: East Asian, 0.02%; no homozygotes.

Submissions (5):

Labcorp Genetics (formerly Invitae), Labcorp
Classification: Likely benign. Last evaluated: 2025-12-30. Review status: criteria provided, single submitter. Criteria: Invitae Variant Classification Sherloc (09022015). Collection method: clinical testing. Allele origin: germline.

Blueprint Genetics
Classification: Likely benign. Last evaluated: 2024-11-22. Review status: criteria provided, single submitter. Criteria: ACMG Guidelines, 2015. Collection method: clinical testing. Allele origin: germline.

GeneDx
Classification: Likely benign. Last evaluated: 2019-07-12. Review status: criteria provided, single submitter. Criteria: GeneDx Variant Classification Process June 2021. Collection method: clinical testing. Allele origin: germline. Affected: yes.

Laboratory for Molecular Medicine, Mass General Brigham Personalized Medicine
Classification: Likely benign. Last evaluated: 2017-08-25. Review status: criteria provided, single submitter. Criteria: LMM Criteria. Collection method: clinical testing. Allele origin: germline. Observed: 1 variant allele.
Comment: p.Gly1342Gly in exon 56 of COL11A2: This variant is not expected to have clinica l significance because it does not alter an amino acid residue, and it is not lo cated within the splice consensus sequence. It has been identified in (8/18696) of East Asian chromosomes by the Genome Aggregation Database (gnomAD; dbSNP rs778423110).

PreventionGenetics, part of Exact Sciences
Classification: Likely benign for COL11A2-related condition. Last evaluated: 2019-05-23. Review status: no assertion criteria provided. Collection method: clinical testing. Allele origin: germline. Not counted in ClinVar's aggregate classification.
Comment: This variant is classified as likely benign based on ACMG/AMP sequence variant interpretation guidelines (Richards et al. 2015 PMID: 25741868, with internal and published modifications).